The following is an entry in ClinVar:

ClinVar aggregate classification (germline): Uncertain significance (1 of 4 stars; one submission).

Conditions:
DICER1-related tumor predisposition. Also called: DICER1 syndrome; DICER1-related pleuropulmonary blastoma cancer predisposition syndrome. Identifiers: Orphanet 284343, MedGen C3839822, MONDO:0100216.

Submission:

Labcorp Genetics (formerly Invitae), Labcorp
Classification: Uncertain significance for DICER1-related tumor predisposition. Last evaluated: 2025-10-01. Review status: criteria provided, single submitter. Criteria: Invitae Variant Classification Sherloc (09022015). Collection method: clinical testing. Allele origin: germline.
Comment: This sequence change replaces leucine, which is neutral and non-polar, with proline, which is neutral and non-polar, at codon 840 of the DICER1 protein (p.Leu840Pro). This variant is not present in population databases (gnomAD no frequency). This variant has not been reported in the literature in individuals affected with DICER1-related conditions. ClinVar contains an entry for this variant (Variation ID: 3712267). Invitae Evidence Modeling of protein sequence and biophysical properties (such as structural, functional, and spatial information, amino acid conservation, physicochemical variation, residue mobility, and thermodynamic stability) indicates that this missense variant is not expected to disrupt DICER1 protein function with a negative predictive value of 95%. In summary, the available evidence is currently insufficient to determine the role of this variant in disease. Therefore, it has been classified as a Variant of Uncertain Significance.

NM_177438.3(DICER1):c.2519T>C (p.Leu840Pro)

Gene: DICER1 (dicer 1, ribonuclease III; minus strand). Cytogenetic location: 14q32.13.
Variant type: single nucleotide variant.
Coding change: c.2519T>C on transcript NM_177438.3 (MANE Select); coding-DNA position 2519, T replaced by C.
Protein change: p.Leu840Pro; replaces leucine 840 with proline.
Molecular consequence: missense variant. On other transcripts: non-coding transcript variant (6).
Genome position (GRCh38, 1-based): chr14:95,108,011, A>G on the plus strand (T>C on the coding strand, the complement: DICER1 is on the minus strand). VCF-style: chr14-95108011-A-G. GRCh37 (hg19) VCF-style: chr14-95574348-A-G.
Other names: c.2114T>C, p.Leu705Pro (NM_001395696.1, NM_001395687.1, NM_001395688.1 and 2 more transcripts); c.836T>C, p.Leu279Pro (NM_001395697.1); c.2519T>C, p.Leu840Pro (NM_030621.4, NM_001195573.1, NM_001271282.3 and 12 more transcripts); c.2237T>C, p.Leu746Pro (NM_001395686.1); c.1952T>C, p.Leu651Pro (NM_001395691.1); short protein forms L279P, L651P, L746P, L705P, L840P.
Identifiers: ClinVar variation 3712267 (VCV003712267.2).